The following is an entry in ClinVar:

NM_014467.3(SRPX2):c.1255G>A (p.Val419Met)

Gene: SRPX2 (sushi repeat containing protein X-linked 2; plus strand). Cytogenetic location: Xq22.1.
Variant type: single nucleotide variant.
Coding change: c.1255G>A on transcript NM_014467.3 (MANE Select); coding-DNA position 1255, G replaced by A.
Protein change: p.Val419Met; replaces valine 419 with methionine.
Molecular consequence: missense variant.
Genome position (GRCh38, 1-based): chrX:100,670,844, G>A. VCF-style: chrX-100670844-G-A. GRCh37 (hg19) VCF-style: chrX-99925841-G-A.
Other names: short protein forms V419M.
Identifiers: ClinVar variation 212309 (VCV000212309.15), dbSNP rs797046012, ClinGen allele CA206207.

ClinVar aggregate classification (germline): Uncertain significance. Review status: criteria provided, multiple submitters, no conflicts (2 of 4 stars). 2 submissions from 2 submitters: Uncertain significance (2). Last evaluated 2022-10-13.

Conditions:
Rolandic epilepsy, impaired intellectual development, and speech dyspraxia, X-linked. Also called: Rolandic epilepsy, intellectual disability, and speech dyspraxia, X-linked; Rolandic epilepsy, impaired intellectual development, and speech dyspraxia. Identifiers: MedGen C1845070, MONDO:0010388, OMIM 300643.

Allele frequency attached by ClinVar (database versions not stated): gnomAD exomes below 0.00001 and 0.00001; gnomAD 0.00001; TOPMed 0.00002.
gnomAD v4.1: 3 of 1,209,468 alleles (0.00025%); highest among the groups gnomAD compares: Admixed American, 0.0066%; no homozygotes.

Submissions (2):

Labcorp Genetics (formerly Invitae), Labcorp
Classification: Uncertain significance for Rolandic epilepsy, impaired intellectual development, and speech dyspraxia, X-linked. Last evaluated: 2022-10-13. Review status: criteria provided, single submitter. Criteria: Invitae Variant Classification Sherloc (09022015). Collection method: clinical testing. Allele origin: germline.
Comment: In summary, the available evidence is currently insufficient to determine the role of this variant in disease. Therefore, it has been classified as a Variant of Uncertain Significance. Advanced modeling of protein sequence and biophysical properties (such as structural, functional, and spatial information, amino acid conservation, physicochemical variation, residue mobility, and thermodynamic stability) performed at Invitae indicates that this missense variant is not expected to disrupt SRPX2 protein function. ClinVar contains an entry for this variant (Variation ID: 212309). This variant has not been reported in the literature in individuals affected with SRPX2-related conditions. This variant is present in population databases (rs797046012, gnomAD 0.004%). This sequence change replaces valine, which is neutral and non-polar, with methionine, which is neutral and non-polar, at codon 419 of the SRPX2 protein (p.Val419Met).

Genetic Services Laboratory, University of Chicago
Classification: Uncertain significance. Last evaluated: 2014-12-02. Review status: criteria provided, single submitter. Criteria: ACMG Guidelines, 2015. Collection method: clinical testing. Allele origin: germline.